The following is an entry in ClinVar:

NM_001693.4(ATP6V1B2):c.-1G>A

Genes: ATP6V1B2 (ATPase H+ transporting V1 subunit B2; plus strand), LOC129999955 (ATAC-STARR-seq lymphoblastoid silent region 18971; plus strand). Cytogenetic location: 8p21.3.
Variant type: single nucleotide variant.
Coding change: c.-1G>A on transcript NM_001693.4 (MANE Select); 1 bases upstream of the start codon, G replaced by A.
Molecular consequence: 5 prime UTR variant.
Genome position (GRCh38, 1-based): chr8:20,197,406, G>A. VCF-style: chr8-20197406-G-A. GRCh37 (hg19) VCF-style: chr8-20054917-G-A.
Identifiers: ClinVar variation 4812917 (VCV004812917.1).

ClinVar aggregate classification (germline): Uncertain significance (1 of 4 stars; one submission).

gnomAD v4.1: 6 of 1,540,976 alleles (0.00039%); highest among the groups gnomAD compares: Admixed American, 0.002%; no homozygotes.

Submission:

GeneDx
Classification: Uncertain significance. Last evaluated: 2025-08-26. Review status: criteria provided, single submitter. Criteria: GeneDx Variant Classification Process June 2021. Collection method: clinical testing. Allele origin: germline. Affected: yes.
Comment: Located in a region that tolerates variation and lacks pathogenic variants; Located in a regulatory region; in the absence of functional studies, the actual effect of this sequence change is unknown; Has not been previously published as pathogenic or benign to our knowledge